The following is an entry in ClinVar:

ClinVar aggregate classification (germline): Uncertain significance (1 of 4 stars; one submission).

Submission:

Women's Health and Genetics/Laboratory Corporation of America, LabCorp
Classification: Uncertain significance. Last evaluated: 2026-05-14. Review status: criteria provided, single submitter. Criteria: LabCorp Variant Classification Summary - May 2015. Collection method: clinical testing. Allele origin: germline.
Comment: Variant summary: The variant involves the duplication of exons 1-13 in the CSNK2A1 gene. A presumed nomenclature of c.(?_-229)_(*11464_?)dup has been designated for the purposes of this classification. This duplication includes the entire coding sequence of the gene. As exact breakpoints are unknown, it may extend beyond the annotated region of the gene, to include other flanking genes. The variant was absent in 21694 control chromosomes. The available data on variant occurrences in the general population are insufficient to allow any conclusion about variant significance. To our knowledge, no occurrence of c.(?_-229)_(*11464_?)dup in individuals affected with CSNK2A1-related conditions and no experimental evidence demonstrating its impact on protein function have been reported. No submitters have cited clinical-significance assessments for this variant to ClinVar. Based on the evidence outlined above, the variant was classified as uncertain significance.

NC_000020.10:g.(?_453141)_(524435_?)dup

Gene: CSNK2A1 (casein kinase 2 alpha 1; minus strand). Cytogenetic location: 20p13.
Variant type: Duplication.
Identifiers: ClinVar variation 4853078 (VCV004853078.1).